The following is an entry in ClinVar:

NM_024306.5(FA2H):c.317C>G (p.Thr106Arg)

Gene: FA2H (fatty acid 2-hydroxylase; minus strand). Cytogenetic location: 16q23.1.
Variant type: single nucleotide variant.
Coding change: c.317C>G on transcript NM_024306.5 (MANE Select); coding-DNA position 317, C replaced by G.
Protein change: p.Thr106Arg; replaces threonine 106 with arginine.
Molecular consequence: missense variant.
Genome position (GRCh38, 1-based): chr16:74,740,069, G>C on the plus strand (C>G on the coding strand, the complement: FA2H is on the minus strand). VCF-style: chr16-74740069-G-C. GRCh37 (hg19) VCF-style: chr16-74773967-G-C.
Other names: short protein forms T106R.
Identifiers: ClinVar variation 1922247 (VCV001922247.5), dbSNP rs1172884890, ClinGen allele CA396770397.

ClinVar aggregate classification (germline): Uncertain significance (1 of 4 stars; one submission).

Conditions:
Spastic paraplegia. Identifiers: MedGen C0037772, HP:0001258.

Allele frequency attached by ClinVar (database versions not stated): gnomAD exomes below 0.00001; TOPMed 0.00002.
gnomAD v4.1: 2 of 1,614,110 alleles (0.00012%); highest among the groups gnomAD compares: Admixed American, 0.0017%; no homozygotes.

Submission:

Labcorp Genetics (formerly Invitae), Labcorp
Classification: Uncertain significance for Spastic paraplegia. Last evaluated: 2022-03-16. Review status: criteria provided, single submitter. Criteria: Invitae Variant Classification Sherloc (09022015). Collection method: clinical testing. Allele origin: germline.
Comment: This variant is present in population databases (no rsID available, gnomAD 0.003%). In summary, the available evidence is currently insufficient to determine the role of this variant in disease. Therefore, it has been classified as a Variant of Uncertain Significance. Advanced modeling of protein sequence and biophysical properties (such as structural, functional, and spatial information, amino acid conservation, physicochemical variation, residue mobility, and thermodynamic stability) performed at Invitae indicates that this missense variant is not expected to disrupt FA2H protein function. This variant has not been reported in the literature in individuals affected with FA2H-related conditions. This sequence change replaces threonine, which is neutral and polar, with arginine, which is basic and polar, at codon 106 of the FA2H protein (p.Thr106Arg).